The following is an entry in ClinVar:

NM_001083116.3(PRF1):c.376C>T (p.Arg126Cys)

Gene: PRF1 (perforin 1; minus strand). Cytogenetic location: 10q22.1.
Variant type: single nucleotide variant.
Coding change: c.376C>T on transcript NM_001083116.3 (MANE Select); coding-DNA position 376, C replaced by T.
Protein change: p.Arg126Cys; replaces arginine 126 with cysteine.
Molecular consequence: missense variant.
Genome position (GRCh38, 1-based): chr10:70,600,527, G>A on the plus strand (C>T on the coding strand, the complement: PRF1 is on the minus strand). VCF-style: chr10-70600527-G-A. GRCh37 (hg19) VCF-style: chr10-72360283-G-A.
Other names: c.376C>T, p.Arg126Cys (NM_005041.6); short protein forms R126C.
Identifiers: ClinVar variation 536224 (VCV000536224.7), dbSNP rs34279237, ClinGen allele CA5539056.
Genomic context (GRCh38, chr10:70,600,527, plus strand): 5'-ACACATGCACATTGCTGGTGGGCTTAGGAGTCACGTCCAGCCCGACCTTCCAGTCGTTGC[G>A]GATGCTACGAGCCGCATCCCGGGCCACAGCTTCAGTGGAGCTGACTTTGGCCCTGGTTAC-3'
Protein context (NP_001076585.1, residues 116-136): AVARDAARSI[Arg126Cys]NDWKVGLDVT

ClinVar aggregate classification (germline): Uncertain significance. Review status: criteria provided, multiple submitters, no conflicts (2 of 4 stars). 2 submissions from 2 submitters: Uncertain significance (2). Last evaluated 2024-08-21.

Conditions:
Familial hemophagocytic lymphohistiocytosis 2 (FHL2). Also called: PRF1-Related Familial Hemophagocytic Lymphohistiocytosis (PRF1-fHLH). Identifiers: Orphanet 540, MedGen C1863727, MONDO:0011337, OMIM 603553.

Allele frequency attached by ClinVar (database versions not stated): gnomAD exomes 0.00005 and 0.00007; ExAC 0.00009; gnomAD 0.00011; TOPMed 0.00013; 1000 Genomes Project 30x 0.00016; 1000 Genomes Project 0.00020.
gnomAD v4.1: 83 of 1,613,940 alleles (0.0051%); highest among the groups gnomAD compares: African/African-American, 0.036%; 1 homozygote.

Submissions (2):

Blueprint Genetics
Classification: Uncertain significance. Last evaluated: 2024-08-21. Review status: criteria provided, single submitter. Criteria: ACMG Guidelines, 2015. Collection method: clinical testing. Allele origin: germline.

Labcorp Genetics (formerly Invitae), Labcorp
Classification: Uncertain significance for Familial hemophagocytic lymphohistiocytosis 2. Last evaluated: 2022-07-29. Review status: criteria provided, single submitter. Criteria: Invitae Variant Classification Sherloc (09022015). Collection method: clinical testing. Allele origin: germline.
Comment: This sequence change replaces arginine, which is basic and polar, with cysteine, which is neutral and slightly polar, at codon 126 of the PRF1 protein (p.Arg126Cys). This variant is present in population databases (rs34279237, gnomAD 0.03%). This variant has not been reported in the literature in individuals affected with PRF1-related conditions. ClinVar contains an entry for this variant (Variation ID: 536224). Algorithms developed to predict the effect of missense changes on protein structure and function are either unavailable or do not agree on the potential impact of this missense change (SIFT: "Tolerated"; PolyPhen-2: "Possibly Damaging"; Align-GVGD: "Class C15"). In summary, the available evidence is currently insufficient to determine the role of this variant in disease. Therefore, it has been classified as a Variant of Uncertain Significance.